The following is an entry in ClinVar:

ClinVar aggregate classification (germline): Pathogenic/Likely pathogenic. Review status: criteria provided, multiple submitters, no conflicts (2 of 4 stars). 4 submissions from 4 submitters: Pathogenic (3); Likely pathogenic (1). Last evaluated 2025-04-09.

Conditions:
Pseudohypoparathyroidism type I A (PHP1A). Also called: ALBRIGHT HEREDITARY OSTEODYSTROPHY WITH MULTIPLE HORMONE RESISTANCE; PHP IA; Pseudohypoparathyroidism type 1A; Pseudohypoparathyroidism Type IA; Pseudohypoparathyroidism Ia (PHP-Ia). Identifiers: Orphanet 79443, MedGen C3494506, MONDO:0007078, OMIM 103580.

Submissions (4):

Labcorp Genetics (formerly Invitae), Labcorp
Classification: Pathogenic. Last evaluated: 2025-04-09. Review status: criteria provided, single submitter. Criteria: Invitae Variant Classification Sherloc (09022015). Collection method: clinical testing. Allele origin: germline.
Comment: This sequence change creates a premature translational stop signal (p.Asp173Valfs*11) in the GNAS gene. It is expected to result in an absent or disrupted protein product. Loss-of-function variants in GNAS are known to be pathogenic (PMID: 11784876, 23281139, 23796510, 25802881). This variant is not present in population databases (gnomAD no frequency). This premature translational stop signal has been observed in individual(s) with clinical features of GNAS-related conditions (PMID: 23533243). This variant is also known as c.521_524delACTG (p.D174VfsX11). ClinVar contains an entry for this variant (Variation ID: 1191792). For these reasons, this variant has been classified as Pathogenic.

GeneDx
Classification: Pathogenic. Last evaluated: 2024-08-07. Review status: criteria provided, single submitter. Criteria: GeneDx Variant Classification Process June 2021. Collection method: clinical testing. Allele origin: germline. Affected: yes.
Comment: Frameshift variant predicted to result in protein truncation or nonsense mediated decay in a gene for which loss-of-function is a known mechanism of disease; Not observed at significant frequency in large population cohorts (gnomAD); This variant is associated with the following publications: (PMID: 33657695, 37669316, 23533243)

Clinical Genetics Laboratory, Skane University Hospital Lund
Classification: Likely pathogenic. Last evaluated: 2022-05-27. Review status: criteria provided, single submitter. Criteria: ACMG Guidelines, 2015. Collection method: clinical testing. Allele origin: germline. Affected: yes.

Kasturba Medical College, Manipal, Kasturba Medical College, Manipal, Manipal Academy of Higher Education, Manipal, India
Classification: Pathogenic for Pseudohypoparathyroidism type I A. Review status: criteria provided, single submitter. Criteria: ACMG Guidelines, 2015. Collection method: research. Allele origin: maternal. Inheritance: Autosomal dominant inheritance. Affected: yes. Observed: 1 heterozygote.
Comment: The variant c.518_521del was not reported in gnomAD (V4.1.0) population database and in our in-house data of 3802 exomes. This four base pair deletion likely causes shift in the reading frame of the transcript and introduces a premature termination codon, which may either result in a truncated protein or trigger nonsense-mediated mRNA decay.

Literature cited by the submitters: PubMed 11784876 (cited by Labcorp Genetics (formerly Invitae), Labcorp); PubMed 23281139 (cited by Labcorp Genetics (formerly Invitae), Labcorp); PubMed 23796510 (cited by Labcorp Genetics (formerly Invitae), Labcorp); PubMed 25802881 (cited by Labcorp Genetics (formerly Invitae), Labcorp); PubMed 23533243 (cited by Labcorp Genetics (formerly Invitae), Labcorp); PubMed 37669316 (cited by Kasturba Medical College, Manipal, Kasturba Medical College, Manipal, Manipal Academy of Higher Education, Manipal, India).

NM_000516.7(GNAS):c.518_521del (p.Asp173fs)

Gene: GNAS (GNAS complex locus; plus strand). Cytogenetic location: 20q13.32.
Variant type: Deletion.
Coding change: c.518_521del on transcript NM_000516.7 (MANE Select); coding-DNA positions 518 to 521, 4 bases deleted (ACTG; older notation c.518_521delACTG).
Protein change: p.Asp173fs; shifts the reading frame from aspartic acid 173.
Molecular consequence: frameshift variant. On other transcripts: 3 prime UTR variant (2).
Genome position (GRCh38, 1-based): chr20:58,905,468-58,905,471, ACTG deleted; deleting any 4 consecutive bases within chr20:58,905,466-58,905,471 gives the same sequence; the c. name uses the placement nearest the transcript's 3' end. VCF-style (leftmost placement, unchanged base first): chr20-58905465-TTGAC-T. GRCh37 (hg19) VCF-style: chr20-57480520-TTGAC-T.
Other names: c.518_521delACTG (NM_000516.4); c.521_524del, p.Asp174fs (NM_001077488.5); c.473_476del, p.Asp158fs (NM_001077489.4); c.*379_*382del (NM_001077490.3); c.341_344del, p.Asp114fs (NM_001309840.2, NM_001309861.2); c.*424_*427del (NM_016592.5); c.2447_2450del, p.Asp816fs (NM_080425.4); c.476_479del, p.Asp159fs (NM_080426.4); and 1 more; short protein forms D114fs, D158fs, D159fs, D173fs, D174fs, D816fs.
Identifiers: ClinVar variation 1191792 (VCV001191792.7), dbSNP rs2146211217, ClinGen allele CA2499225790.
Genomic context (GRCh38, chr20:58,905,465, plus strand): 5'-CTCTGTGGGAGGATGAAGGAGTGCGTGCCTGCTACGAACGCTCCAACGAGTACCAGCTGA[TTGAC>T]TGTGCCCAGTAGTAAGTAACCGCCACCCAACCCATCAGCACATAAAACAGACAAAAACAA-3'